The following is an entry in ClinVar:

NM_015629.4(PRPF31):c.89C>T (p.Pro30Leu)

Gene: PRPF31 (pre-mRNA processing factor 31; plus strand). Cytogenetic location: 19q13.42.
Variant type: single nucleotide variant.
Coding change: c.89C>T on transcript NM_015629.4 (MANE Select); coding-DNA position 89, C replaced by T.
Protein change: p.Pro30Leu; replaces proline 30 with leucine.
Molecular consequence: missense variant.
Genome position (GRCh38, 1-based): chr19:54,118,367, C>T. VCF-style: chr19-54118367-C-T. GRCh37 (hg19) VCF-style: chr19-54621747-C-T.
Other names: short protein forms P30L.
Identifiers: ClinVar variation 1805102 (VCV001805102.1), dbSNP rs758451671, ClinGen allele CA309320824.

ClinVar aggregate classification (germline): Uncertain significance (1 of 4 stars; one submission).

Conditions:
Retinitis pigmentosa 11 (RP11). Identifiers: Orphanet 791, MedGen C1838601, MONDO:0010828, OMIM 600138.

Allele frequency attached by ClinVar (database versions not stated): ExAC 0.00001; gnomAD exomes 0.00002.
gnomAD v4.1: 24 of 1,613,974 alleles (0.0015%); highest among the groups gnomAD compares: Non-Finnish European, 0.0019%; no homozygotes.

Submission:

Victorian Clinical Genetics Services, Murdoch Childrens Research Institute
Classification: Uncertain significance for Retinitis pigmentosa 11. Last evaluated: 2022-02-02. Review status: criteria provided, single submitter. Criteria: ACMG Guidelines, 2015. Collection method: clinical testing. Allele origin: germline. Inheritance: Autosomal dominant inheritance. Affected: yes.
Comment: Based on the classification scheme VCGS_Germline_v1.3.4, this variant is classified as VUS-3B. Following criteria are met: 0102 - Loss of function is a known mechanism of disease in this gene and is associated with Retinitis pigmentosa 11 (MIM#600138), AD (I) 0107 - This gene is associated with autosomal dominant disease. (I) 0112 - The condition associated with this gene has incomplete penetrance (OMIM, PMID: 32014492). (I) 0115 - Variants in this gene are known to have variable expressivity. Intra-familial variability has been reported; and individuals carrying the same variant can have a range of phenotypic variation (OMIM, PMID: 32014492). (I) 0200 - Variant is predicted to result in a missense amino acid change from proline to leucine. (I) 0251 - This variant is heterozygous. (I) 0302 - Variant is present in gnomAD <0.001 for a dominant condition (v2: 1 heterozygote, 0 homozygotes). (SP) 0502 - Missense variant with conflicting in silico predictions and uninformative conservation. (I) 0604 - Variant is not located in an established domain, motif, hotspot or informative constraint region. (I) 0705 - No comparable missense variants have previous evidence for pathogenicity. (I) 0807 - This variant has no previous evidence of pathogenicity. (I) 0905 - No published segregation evidence has been identified for this variant. (I) 1007 - No published functional evidence has been identified for this variant. (I) 1208 - Inheritance information for this variant is not currently available in this individual. (I) Legend: (SP) - Supporting pathogenic, (I) - Information, (SB) - Supporting benign

Literature cited by the submitters: PubMed 32014492.